The following is an entry in ClinVar:

NM_006341.4(MAD2L2):c.455C>A (p.Thr152Lys)

Gene: MAD2L2 (mitotic arrest deficient 2 like 2; minus strand). Cytogenetic location: 1p36.22.
Variant type: single nucleotide variant.
Coding change: c.455C>A on transcript NM_006341.4 (MANE Select); coding-DNA position 455, C replaced by A.
Protein change: p.Thr152Lys; replaces threonine 152 with lysine.
Molecular consequence: missense variant.
Genome position (GRCh38, 1-based): chr1:11,675,704, G>T on the plus strand (C>A on the coding strand, the complement: MAD2L2 is on the minus strand). VCF-style: chr1-11675704-G-T. GRCh37 (hg19) VCF-style: chr1-11735761-G-T.
Other names: c.455C>A, p.Thr152Lys (NM_001127325.2); short protein forms T152K.
Identifiers: ClinVar variation 2787658 (VCV002787658.3), dbSNP rs139303308, ClinGen allele CA338416168.

ClinVar aggregate classification (germline): Uncertain significance (1 of 4 stars; one submission).

gnomAD v4.1: 4 of 1,613,942 alleles (0.00025%); highest among the groups gnomAD compares: African/African-American, 0.0013%; no homozygotes.

Submission:

Labcorp Genetics (formerly Invitae), Labcorp
Classification: Uncertain significance. Last evaluated: 2024-08-28. Review status: criteria provided, single submitter. Criteria: Invitae Variant Classification Sherloc (09022015). Collection method: clinical testing. Allele origin: germline.
Comment: This sequence change replaces threonine, which is neutral and polar, with lysine, which is basic and polar, at codon 152 of the MAD2L2 protein (p.Thr152Lys). This variant is present in population databases (no rsID available, gnomAD 0.0009%). This variant has not been reported in the literature in individuals affected with MAD2L2-related conditions. An algorithm developed to predict the effect of missense changes on protein structure and function (PolyPhen-2) suggests that this variant is likely to be disruptive. In summary, the available evidence is currently insufficient to determine the role of this variant in disease. Therefore, it has been classified as a Variant of Uncertain Significance.